The following is an entry in ClinVar:

NM_032444.4(SLX4):c.1896G>C (p.Gly632=)

Gene: SLX4 (SLX4 structure-specific endonuclease subunit; minus strand). Cytogenetic location: 16p13.3.
Variant type: single nucleotide variant.
Coding change: c.1896G>C on transcript NM_032444.4 (MANE Select); coding-DNA position 1896, G replaced by C.
Protein change: p.Gly632=; no amino-acid change (glycine 632 retained).
Molecular consequence: synonymous variant.
Genome position (GRCh38, 1-based): chr16:3,596,181, C>G on the plus strand (G>C on the coding strand, the complement: SLX4 is on the minus strand). VCF-style: chr16-3596181-C-G. GRCh37 (hg19) VCF-style: chr16-3646182-C-G.
Other names: c.1896G>C (LRG_503t1, NM_032444.3).
Identifiers: ClinVar variation 414712 (VCV000414712.17), dbSNP rs200859735, ClinGen allele CA7866388.

ClinVar aggregate classification (germline): Likely benign. Review status: criteria provided, multiple submitters, no conflicts (2 of 4 stars). 4 submissions from 4 submitters: Likely benign (4). Last evaluated 2026-02-01.

Conditions:
Fanconi anemia complementation group P. Also called: SLX4-Related Fanconi Anemia. Identifiers: Orphanet 84, MedGen C3469542, MONDO:0013499, OMIM 613951.
Fanconi anemia (FA). Also called: Fanconi's anemia. Identifiers: Orphanet 84, MedGen C0015625, MeSH D005199, MONDO:0019391.

Allele frequency attached by ClinVar (database versions not stated): ExAC below 0.00001; TOPMed 0.00002; gnomAD exomes 0.00006.
gnomAD v4.1: 41 of 1,551,796 alleles (0.0026%); highest among the groups gnomAD compares: East Asian, 0.039%; no homozygotes.

Submissions (4):

CeGaT Center for Human Genetics Tuebingen
Classification: Likely benign. Last evaluated: 2026-02-01. Review status: criteria provided, single submitter. Criteria: CeGaT Center For Human Genetics Tuebingen Variant Classification Criteria Version 2. Collection method: clinical testing. Allele origin: germline. Affected: yes. Observed: 1 variant allele.
Comment: SLX4: BP4, BP7

Labcorp Genetics (formerly Invitae), Labcorp
Classification: Likely benign for Fanconi anemia. Last evaluated: 2026-01-15. Review status: criteria provided, single submitter. Criteria: Invitae Variant Classification Sherloc (09022015). Collection method: clinical testing. Allele origin: germline.

Blueprint Genetics
Classification: Likely benign. Last evaluated: 2024-11-13. Review status: criteria provided, single submitter. Criteria: ACMG Guidelines, 2015. Collection method: clinical testing. Allele origin: germline.

KCCC/NGS Laboratory, Kuwait Cancer Control Center
Classification: Likely benign for Fanconi anemia complementation group P. Last evaluated: 2023-07-07. Review status: criteria provided, single submitter. Criteria: ACMG Guidelines, 2015. Collection method: clinical testing. Allele origin: germline. Affected: yes.